The following is an entry in ClinVar:

NM_000528.4(MAN2B1):c.604C>T (p.Arg202Trp)

Gene: MAN2B1 (mannosidase alpha class 2B member 1; minus strand). Cytogenetic location: 19p13.13.
Variant type: single nucleotide variant.
Coding change: c.604C>T on transcript NM_000528.4 (MANE Select); coding-DNA position 604, C replaced by T.
Protein change: p.Arg202Trp; replaces arginine 202 with tryptophan.
Molecular consequence: missense variant.
Genome position (GRCh38, 1-based): chr19:12,664,818, G>A on the plus strand (C>T on the coding strand, the complement: MAN2B1 is on the minus strand). VCF-style: chr19-12664818-G-A. GRCh37 (hg19) VCF-style: chr19-12775632-G-A.
Other names: c.604C>T, p.Arg202Trp (NM_001173498.2); short protein forms R202W.
Identifiers: ClinVar variation 2230076 (VCV002230076.3), dbSNP rs1024510764, ClinGen allele CA404254437.

ClinVar aggregate classification (germline): Uncertain significance (1 of 4 stars; one submission).

Conditions:
Inborn genetic diseases. Identifiers: MedGen C0950123, MeSH D030342.

Submission:

Ambry Genetics
Classification: Uncertain significance for Inborn genetic diseases. Last evaluated: 2023-01-10. Review status: criteria provided, single submitter. Criteria: Ambry Variant Classification Scheme 2023. Collection method: clinical testing. Allele origin: germline.
Comment: The c.604C>T (p.R202W) alteration is located in exon 4 (coding exon 4) of the MAN2B1 gene. This alteration results from a C to T substitution at nucleotide position 604, causing the arginine (R) at amino acid position 202 to be replaced by a tryptophan (W). The in silico prediction for the p.R202W alteration is inconclusive. Based on insufficient or conflicting evidence, the clinical significance of this alteration remains unclear.